The following is an entry in ClinVar:

ClinVar aggregate classification (germline): Uncertain significance (1 of 4 stars; one submission).

Submission:

Labcorp Genetics (formerly Invitae), Labcorp
Classification: Uncertain significance. Last evaluated: 2025-02-20. Review status: criteria provided, single submitter. Criteria: Invitae Variant Classification Sherloc (09022015). Collection method: clinical testing. Allele origin: germline.
Comment: This sequence change replaces methionine, which is neutral and non-polar, with valine, which is neutral and non-polar, at codon 1976 of the RP1 protein (p.Met1976Val). This variant is not present in population databases (gnomAD no frequency). This variant has not been reported in the literature in individuals affected with RP1-related conditions. An algorithm developed to predict the effect of missense changes on protein structure and function outputs the following: PolyPhen-2: "Benign". The valine amino acid residue is found in multiple mammalian species, which suggests that this missense change does not adversely affect protein function. In summary, the available evidence is currently insufficient to determine the role of this variant in disease. Therefore, it has been classified as a Variant of Uncertain Significance.

NM_006269.2(RP1):c.5926A>G (p.Met1976Val)

Genes: RP1 (RP1 axonemal microtubule associated; plus strand), LOC126860392 (CDK7 strongly-dependent group 2 enhancer GRCh37_chr8:55541319-55542518; plus strand). Cytogenetic location: 8q12.1.
Variant type: single nucleotide variant.
Coding change: c.5926A>G on transcript NM_006269.2 (MANE Select); coding-DNA position 5926, A replaced by G.
Protein change: p.Met1976Val; replaces methionine 1976 with valine.
Molecular consequence: missense variant. On other transcripts: intron variant (1).
Genome position (GRCh38, 1-based): chr8:54,629,808, A>G. VCF-style: chr8-54629808-A-G. GRCh37 (hg19) VCF-style: chr8-55542368-A-G.
Other names: c.787+7520A>G (NM_001375654.1); short protein forms M1976V.
Identifiers: ClinVar variation 4713610 (VCV004713610.1).